The following is an entry in ClinVar:

ClinVar aggregate classification (germline): Uncertain significance (1 of 4 stars; one submission).

Conditions:
Cardiovascular phenotype. Identifiers: MedGen CN230736.

gnomAD v4.1: 1 of 1,550,272 alleles (0.000065%); highest among the groups gnomAD compares: Non-Finnish European, 0.000087%; no homozygotes.

Submission:

Ambry Genetics
Classification: Uncertain significance for Cardiovascular phenotype. Last evaluated: 2022-10-27. Review status: criteria provided, single submitter. Criteria: Ambry Variant Classification Scheme 2023. Collection method: clinical testing. Allele origin: germline.
Comment: The p.A1834S variant (also known as c.5500G>T), located in coding exon 2 of the ZNF469 gene, results from a G to T substitution at nucleotide position 5500. The alanine at codon 1834 is replaced by serine, an amino acid with similar properties. This amino acid position is conserved. In addition, this alteration is predicted to be tolerated by in silico analysis. Since supporting evidence is limited at this time, the clinical significance of this alteration remains unclear.

NM_001367624.2(ZNF469):c.5584G>T (p.Ala1862Ser)

Gene: ZNF469 (zinc finger protein 469; plus strand). Cytogenetic location: 16q24.2.
Variant type: single nucleotide variant.
Coding change: c.5584G>T on transcript NM_001367624.2 (MANE Select); coding-DNA position 5584, G replaced by T.
Protein change: p.Ala1862Ser; replaces alanine 1862 with serine.
Molecular consequence: missense variant.
Genome position (GRCh38, 1-based): chr16:88,433,054, G>T. VCF-style: chr16-88433054-G-T. GRCh37 (hg19) VCF-style: chr16-88499462-G-T.
Other names: NM_001127464.1:c.5500G>T; short protein forms A1862S.
Identifiers: ClinVar variation 1747983 (VCV001747983.2), dbSNP rs1284314825, ClinGen allele CA397101598.